The following is an entry in ClinVar:

ClinVar aggregate classification (germline): Likely benign (1 of 4 stars; one submission).

Allele frequency attached by ClinVar (database versions not stated): 1000 Genomes Project 0.01118; 1000 Genomes Project 30x 0.01234; gnomAD 0.01312; TOPMed 0.01368.
gnomAD v4.1: 1,823 of 152,308 alleles (1.2%); highest among the groups gnomAD compares: African/African-American, 4.2%; 43 homozygotes.

Submission:

GeneDx
Classification: Likely benign. Last evaluated: 2018-06-16. Review status: criteria provided, single submitter. Criteria: GeneDx Variant Classification (06012015). Collection method: clinical testing. Allele origin: germline. Affected: yes.
Comment: This variant is considered likely benign or benign based on one or more of the following criteria: it is a conservative change, it occurs at a poorly conserved position in the protein, it is predicted to be benign by multiple in silico algorithms, and/or has population frequency not consistent with disease.

NM_014391.3(ANKRD1):c.454-157C>G

Gene: ANKRD1 (ankyrin repeat domain 1; minus strand). Cytogenetic location: 10q23.31.
Variant type: single nucleotide variant.
Coding change: c.454-157C>G on transcript NM_014391.3 (MANE Select); 157 bases into the intron before coding-DNA position 454, C replaced by G.
Molecular consequence: intron variant.
Genome position (GRCh38, 1-based): chr10:90,917,987, G>C on the plus strand (C>G on the coding strand, the complement: ANKRD1 is on the minus strand). VCF-style: chr10-90917987-G-C. GRCh37 (hg19) VCF-style: chr10-92677744-G-C.
Identifiers: ClinVar variation 675550 (VCV000675550.1), dbSNP rs115179303, ClinGen allele CA211423527.